The following is an entry in ClinVar:

ClinVar aggregate classification (germline): Likely pathogenic (1 of 4 stars; one submission).

Conditions:
Hereditary spastic paraplegia 75. Also called: Spastic paraplegia 75, autosomal recessive. Identifiers: Orphanet 459056, MedGen C4225250, MONDO:0014729, OMIM 616680.

Submission:

Labcorp Genetics (formerly Invitae), Labcorp
Classification: Likely pathogenic for Hereditary spastic paraplegia 75. Last evaluated: 2025-09-08. Review status: criteria provided, single submitter. Criteria: Invitae Variant Classification Sherloc (09022015). Collection method: clinical testing. Allele origin: germline.
Comment: This sequence change affects a donor splice site in intron 9 of the MAG gene. It is expected to disrupt RNA splicing. Variants that disrupt the donor or acceptor splice site typically lead to a loss of protein function (PMID: 16199547), and loss-of-function variants in MAG are known to be pathogenic (PMID: 32629324). This variant is not present in population databases (gnomAD no frequency). This variant has not been reported in the literature in individuals affected with MAG-related conditions. ClinVar contains an entry for this variant (Variation ID: 3643289). Algorithms developed to predict the effect of sequence changes on RNA splicing suggest that this variant may disrupt the consensus splice site. In summary, the currently available evidence indicates that the variant is pathogenic, but additional data are needed to prove that conclusively. Therefore, this variant has been classified as Likely Pathogenic.

Literature cited by the submitters: PubMed 16199547; PubMed 32629324.

NM_002361.4(MAG):c.1616+1G>A

Gene: MAG (myelin associated glycoprotein; plus strand). Cytogenetic location: 19q13.12.
Variant type: single nucleotide variant.
Coding change: c.1616+1G>A on transcript NM_002361.4 (MANE Select); the canonical splice donor site of the intron after coding-DNA position 1616, G replaced by A.
Molecular consequence: splice donor variant.
Genome position (GRCh38, 1-based): chr19:35,310,644, G>A. VCF-style: chr19-35310644-G-A. GRCh37 (hg19) VCF-style: chr19-35801547-G-A.
Other names: c.1616+1G>A (NM_080600.3); c.1541+1G>A (NM_001199216.2).
Identifiers: ClinVar variation 3643289 (VCV003643289.2).